The following is an entry in ClinVar:

ClinVar aggregate classification (germline): Pathogenic. Review status: criteria provided, multiple submitters, no conflicts (2 of 4 stars). 2 submissions from 2 submitters: Pathogenic (2). Last evaluated 2025-07-01.

Conditions:
Hypercholesterolemia, autosomal dominant, type B (FHCL2). Also called: Familial Hypercholesterolemia Type B; Hyperlipoproteinemia Type IIb; APOB-Related Familial Hypercholesterolemia, Autosomal Dominant; Familial hypercholesterolemia 2; HYPERCHOLESTEROLEMIA, FAMILIAL, DUE TO LIGAND-DEFECTIVE APOLIPOPROTEIN B; APOLIPOPROTEIN B-100, FAMILIAL DEFECTIVE. Identifiers: MedGen C1704417, MONDO:0007751, OMIM 144010.
Familial hypobetalipoproteinemia 1. Also called: Hypobetalipoproteinemia, normotriglyceridemic; Acanthocytosis with hypobetalipoproteinemia; APOB-Related Familial Hypobetalipoproteinemia. Identifiers: MedGen C4551990, MONDO:0014252, OMIM 615558.

Submissions (2):

Labcorp Genetics (formerly Invitae), Labcorp
Classification: Pathogenic for Familial hypobetalipoproteinemia 1; Hypercholesterolemia, autosomal dominant, type B. Last evaluated: 2025-07-01. Review status: criteria provided, single submitter. Criteria: Invitae Variant Classification Sherloc (09022015). Collection method: clinical testing. Allele origin: germline.
Comment: This sequence change creates a premature translational stop signal (p.Phe3708Leufs*16) in the APOB gene. It is expected to result in an absent or disrupted protein product. Loss-of-function variants in APOB are known to be pathogenic (PMID: 20032471). This variant is not present in population databases (gnomAD no frequency). This premature translational stop signal has been observed in individual(s) with hypobetalipoproteinemia (PMID: 33207932). ClinVar contains an entry for this variant (Variation ID: 925921). For these reasons, this variant has been classified as Pathogenic.

CeGaT Center for Human Genetics Tuebingen
Classification: Pathogenic. Last evaluated: 2023-12-01. Review status: criteria provided, single submitter. Criteria: CeGaT Center For Human Genetics Tuebingen Variant Classification Criteria Version 2. Collection method: clinical testing. Allele origin: germline. Affected: yes. Observed: 1 variant allele.
Comment: APOB: PVS1, PM2

Literature cited by the submitters: PubMed 20032471 (cited by Labcorp Genetics (formerly Invitae), Labcorp); PubMed 33207932 (cited by Labcorp Genetics (formerly Invitae), Labcorp).

NM_000384.3(APOB):c.11124del (p.Phe3708fs)

Gene: APOB (apolipoprotein B; minus strand). Cytogenetic location: 2p24.1.
Variant type: Deletion.
Coding change: c.11124del on transcript NM_000384.3 (MANE Select); coding-DNA position 11124, one base deleted (T; older notation c.11124delT).
Protein change: p.Phe3708fs; shifts the reading frame from phenylalanine 3708.
Molecular consequence: frameshift variant.
Genome position (GRCh38, 1-based): chr2:21,005,744, A deleted on the plus strand (T on the coding strand, the reverse complement: APOB is on the minus strand); the first of 3 consecutive A bases (chr2:21,005,744-21,005,746); deleting any one gives the same sequence. VCF-style (leftmost placement, unchanged base first): chr2-21005743-CA-C. GRCh37 (hg19) VCF-style: chr2-21228615-CA-C.
Other names: short protein forms F3708fs.
Identifiers: ClinVar variation 925921 (VCV000925921.29), dbSNP rs1282116285, ClinGen allele CA764092858.